The following is an entry in ClinVar:

ClinVar aggregate classification (germline): Uncertain significance (1 of 4 stars; one submission).

Allele frequency attached by ClinVar (database versions not stated): TOPMed below 0.00001; gnomAD 0.00001; gnomAD exomes 0.00001.
gnomAD v4.1: 8 of 1,604,950 alleles (0.0005%); highest among the groups gnomAD compares: Non-Finnish European, 0.00068%; no homozygotes.

Submission:

Labcorp Genetics (formerly Invitae), Labcorp
Classification: Uncertain significance. Last evaluated: 2024-11-05. Review status: criteria provided, single submitter. Criteria: Invitae Variant Classification Sherloc (09022015). Collection method: clinical testing. Allele origin: germline.
Comment: This sequence change replaces proline, which is neutral and non-polar, with leucine, which is neutral and non-polar, at codon 138 of the ZNF513 protein (p.Pro138Leu). This variant is not present in population databases (gnomAD no frequency). This variant has not been reported in the literature in individuals affected with ZNF513-related conditions. ClinVar contains an entry for this variant (Variation ID: 840591). An algorithm developed to predict the effect of missense changes on protein structure and function (PolyPhen-2) suggests that this variant is likely to be tolerated. In summary, the available evidence is currently insufficient to determine the role of this variant in disease. Therefore, it has been classified as a Variant of Uncertain Significance.

NM_144631.6(ZNF513):c.413C>T (p.Pro138Leu)

Gene: ZNF513 (zinc finger protein 513; minus strand). Cytogenetic location: 2p23.3.
Variant type: single nucleotide variant.
Coding change: c.413C>T on transcript NM_144631.6 (MANE Select); coding-DNA position 413, C replaced by T.
Protein change: p.Pro138Leu; replaces proline 138 with leucine.
Molecular consequence: missense variant.
Genome position (GRCh38, 1-based): chr2:27,378,853, G>A on the plus strand (C>T on the coding strand, the complement: ZNF513 is on the minus strand). VCF-style: chr2-27378853-G-A. GRCh37 (hg19) VCF-style: chr2-27601720-G-A.
Other names: c.227C>T, p.Pro76Leu (NM_001201459.2); short protein forms P138L, P76L.
Identifiers: ClinVar variation 840591 (VCV000840591.10), dbSNP rs897757537, ClinGen allele CA44529464.